The following is an entry in ClinVar:

NM_001875.5(CPS1):c.4088dup (p.Ile1364fs)

Gene: CPS1 (carbamoyl-phosphate synthase 1; plus strand). Cytogenetic location: 2q34.
Variant type: Duplication.
Coding change: c.4088dup on transcript NM_001875.5 (MANE Select); coding-DNA position 4088, one base duplicated (T; older notation c.4088dupT).
Protein change: p.Ile1364fs; shifts the reading frame from isoleucine 1364.
Molecular consequence: frameshift variant. On other transcripts: non-coding transcript variant (2).
Genome position (GRCh38, 1-based): chr2:210,668,271, T duplicated. VCF-style (leftmost placement, unchanged base first): chr2-210668270-C-CT. GRCh37 (hg19) VCF-style: chr2-211532994-C-CT.
Other names: c.4088dup, p.Ile1364fs (NM_001122633.3, NM_001369257.1); c.4121dup, p.Ile1375fs (NM_001369256.1); short protein forms I1364fs, I1375fs.
Identifiers: ClinVar variation 2717564 (VCV002717564.3), dbSNP rs2469357366, ClinGen allele CA2697550369.

ClinVar aggregate classification (germline): Pathogenic (1 of 4 stars; one submission).

Conditions:
Congenital hyperammonemia, type I. Also called: Carbamoyl phosphate synthetase I deficiency disease; CPS I DEFICIENCY; Carbamoyl phosphate synthetase 1 deficiency; Hyperammonemia due to carbamoyl phosphate synthetase 1 deficiency; CPS 1 deficiency; Carbamyl phosphate synthetase (CPS) deficiency. Identifiers: Orphanet 147, MedGen C4082171, MONDO:0009376, OMIM 237300.

Submission:

Labcorp Genetics (formerly Invitae), Labcorp
Classification: Pathogenic for Congenital hyperammonemia, type I. Last evaluated: 2023-06-16. Review status: criteria provided, single submitter. Criteria: Invitae Variant Classification Sherloc (09022015). Collection method: clinical testing. Allele origin: germline.
Comment: This variant is not present in population databases (gnomAD no frequency). For these reasons, this variant has been classified as Pathogenic. This variant has not been reported in the literature in individuals affected with CPS1-related conditions. This sequence change creates a premature translational stop signal (p.Ile1364Aspfs*16) in the CPS1 gene. It is expected to result in an absent or disrupted protein product. Loss-of-function variants in CPS1 are known to be pathogenic (PMID: 21120950).

Literature cited by the submitters: PubMed 21120950.